The following is an entry in ClinVar:

NM_003701.4(TNFSF11):c.219G>A (p.Gln73=)

Gene: TNFSF11 (TNF superfamily member 11; plus strand). Cytogenetic location: 13q14.11.
Variant type: single nucleotide variant.
Coding change: c.219G>A on transcript NM_003701.4 (MANE Select); coding-DNA position 219, G replaced by A.
Protein change: p.Gln73=; no amino-acid change (glutamine 73 retained).
Molecular consequence: synonymous variant. On other transcripts: intron variant (1).
Genome position (GRCh38, 1-based): chr13:42,574,522, G>A. VCF-style: chr13-42574522-G-A. GRCh37 (hg19) VCF-style: chr13-43148658-G-A.
Other names: c.-1+2784G>A (NM_033012.4).
Identifiers: ClinVar variation 1384196 (VCV001384196.6), dbSNP rs2137852954, ClinGen allele CA483605244.

ClinVar aggregate classification (germline): Uncertain significance (1 of 4 stars; one submission).

Allele frequency attached by ClinVar (database versions not stated): gnomAD exomes below 0.00001.
gnomAD v4.1: 1 of 1,607,090 alleles (0.000062%); highest among the groups gnomAD compares: South Asian, 0.0011%; no homozygotes.

Submission:

Labcorp Genetics (formerly Invitae), Labcorp
Classification: Uncertain significance. Last evaluated: 2021-10-02. Review status: criteria provided, single submitter. Criteria: Invitae Variant Classification Sherloc (09022015). Collection method: clinical testing. Allele origin: germline.
Comment: In summary, the available evidence is currently insufficient to determine the role of this variant in disease. Therefore, it has been classified as a Variant of Uncertain Significance. Variants that disrupt the consensus splice site are a relatively common cause of aberrant splicing (PMID: 17576681, 9536098). Algorithms developed to predict the effect of sequence changes on RNA splicing suggest that this variant is not likely to affect RNA splicing. This variant has not been reported in the literature in individuals affected with TNFSF11-related conditions. This variant is not present in population databases (ExAC no frequency). This sequence change affects codon 73 of the TNFSF11 mRNA. It is a 'silent' change, meaning that it does not change the encoded amino acid sequence of the TNFSF11 protein. This variant also falls at the last nucleotide of exon 1, which is part of the consensus splice site for this exon.

Literature cited by the submitters: PubMed 17576681; PubMed 9536098.